The following is an entry in ClinVar:

NM_173842.3(IL1RN):c.496G>A (p.Val166Ile)

Gene: IL1RN (interleukin 1 receptor antagonist; plus strand). Cytogenetic location: 2q14.1.
Variant type: single nucleotide variant.
Coding change: c.496G>A on transcript NM_173842.3 (MANE Select); coding-DNA position 496, G replaced by A.
Protein change: p.Val166Ile; replaces valine 166 with isoleucine.
Molecular consequence: missense variant.
Genome position (GRCh38, 1-based): chr2:113,132,833, G>A. VCF-style: chr2-113132833-G-A. GRCh37 (hg19) VCF-style: chr2-113890410-G-A.
Other names: c.442G>A, p.Val148Ile (NM_000577.5); c.394G>A, p.Val132Ile (NM_001318914.2, NM_001379360.1, NM_173843.3); c.505G>A, p.Val169Ile (NM_173841.3); short protein forms V166I, V169I, V132I, V148I.
Identifiers: ClinVar variation 944477 (VCV000944477.7), dbSNP rs143208167, ClinGen allele CA1838917.

ClinVar aggregate classification (germline): Uncertain significance. Review status: criteria provided, multiple submitters, no conflicts (2 of 4 stars). 2 submissions from 2 submitters: Uncertain significance (2). Last evaluated 2026-01-25.

Conditions:
Sterile multifocal osteomyelitis with periostitis and pustulosis. Also called: CHRONIC RECURRENT MULTIFOCAL OSTEOMYELITIS 2, WITH PERIOSTITIS AND PUSTULOSIS. Identifiers: Orphanet 210115, MedGen C2748507, MONDO:0013021, OMIM 612852.
Microvascular complications of diabetes, susceptibility to, 4. Identifiers: MedGen C2675112, MONDO:0012966, OMIM 612628.
Gastric cancer. Also called: Stomach cancer; Malignant tumor of stomach. Identifiers: MedGen C0024623, MeSH D013274, MONDO:0001056, OMIM 613659, HP:0012126.

Allele frequency attached by ClinVar (database versions not stated): ExAC 0.00004; gnomAD exomes 0.00005; gnomAD 0.00010; ESP Exome Variant Server 0.00015; 1000 Genomes Project 30x 0.00016; 1000 Genomes Project 0.00020; TOPMed 0.00024.
gnomAD v4.1: 97 of 1,614,240 alleles (0.006%); highest among the groups gnomAD compares: African/African-American, 0.021%; no homozygotes.

Submissions (2):

Labcorp Genetics (formerly Invitae), Labcorp
Classification: Uncertain significance for Sterile multifocal osteomyelitis with periostitis and pustulosis. Last evaluated: 2026-01-25. Review status: criteria provided, single submitter. Criteria: Invitae Variant Classification Sherloc (09022015). Collection method: clinical testing. Allele origin: germline.
Comment: This sequence change replaces valine, which is neutral and non-polar, with isoleucine, which is neutral and non-polar, at codon 169 of the IL1RN protein (p.Val169Ile). This variant is present in population databases (rs143208167, gnomAD 0.02%). This variant has not been reported in the literature in individuals affected with IL1RN-related conditions. ClinVar contains an entry for this variant (Variation ID: 944477). An algorithm developed to predict the effect of missense changes on protein structure and function outputs the following: PolyPhen-2: "Benign". The isoleucine amino acid residue is found in multiple mammalian species, which suggests that this missense change does not adversely affect protein function. In summary, the available evidence is currently insufficient to determine the role of this variant in disease. Therefore, it has been classified as a Variant of Uncertain Significance.

Center for Genomics, Ann and Robert H. Lurie Children's Hospital of Chicago
Classification: Uncertain significance for Gastric cancer; Microvascular complications of diabetes, susceptibility to, 4; Sterile multifocal osteomyelitis with periostitis and pustulosis. Review status: criteria provided, single submitter. Criteria: ACMG Guidelines, 2015. Collection method: clinical testing. Allele origin: germline.
Comment: IL1RN NM_173841.2 exon 6 p.Val169Ile (c.505G>A): This variant has not been reported in the literature but is present in 0.02% (5/24970) of African alleles in the Genome Aggregation Database. This variant amino acid Isoleucine (Ile) is present in 9 species and is not well conserved among evolutionarily distant species; this suggests that this variant may not impact the protein. Additional computational prediction tools do not suggest an impact. In summary, data on this variant is insufficient for disease classification. Therefore, the clinical significance of this variant is uncertain.